The following is an entry in ClinVar:

ClinVar aggregate classification (germline): Conflicting classifications of pathogenicity. Review status: criteria provided, conflicting classifications (1 of 4 stars). 2 submissions from 2 submitters: Uncertain significance (1); Benign (1). Last evaluated 2022-08-01.

Conditions:
CBL-related disorder. Also called: NOONAN SYNDROME-LIKE DISORDER WITHOUT JUVENILE MYELOMONOCYTIC LEUKEMIA; CBL MUTATION-ASSOCIATED SYNDROME; CBL SYNDROME. Identifiers: Orphanet 363972, MedGen C3150803, MONDO:0013308, OMIM 613563.

Allele frequency attached by ClinVar (database versions not stated): 1000 Genomes Project 30x 0.00031; 1000 Genomes Project 0.00040; gnomAD 0.00081 and 0.00083; TOPMed 0.00096.
gnomAD v4.1: 391 of 397,350 alleles (0.098%); highest among the groups gnomAD compares: Middle Eastern, 0.38%; no homozygotes.

Submissions (2):

CeGaT Center for Human Genetics Tuebingen
Classification: Benign. Last evaluated: 2022-08-01. Review status: criteria provided, single submitter. Criteria: CeGaT Center For Human Genetics Tuebingen Variant Classification Criteria Version 2. Collection method: clinical testing. Allele origin: germline. Affected: yes. Observed: 2 variant alleles.
Comment: CBL: BS1, BS2

Illumina Laboratory Services, Illumina
Classification: Uncertain significance for CBL-related disorder. Last evaluated: 2018-01-13. Review status: criteria provided, single submitter. Criteria: ICSL Variant Classification Criteria 13 December 2019. Collection method: clinical testing. Allele origin: germline.

NM_005188.4(CBL):c.*918T>C

Gene: CBL (Cbl proto-oncogene; plus strand). Cytogenetic location: 11q23.3.
Variant type: single nucleotide variant.
Coding change: c.*918T>C on transcript NM_005188.4 (MANE Select); 918 bases downstream of the stop codon, T replaced by C.
Molecular consequence: 3 prime UTR variant.
Genome position (GRCh38, 1-based): chr11:119,300,699, T>C. VCF-style: chr11-119300699-T-C. GRCh37 (hg19) VCF-style: chr11-119171409-T-C.
Identifiers: ClinVar variation 302797 (VCV000302797.29), dbSNP rs541035764, ClinGen allele CA10629975.